The following is an entry in ClinVar:

NM_133510.4(RAD51B):c.332G>A (p.Gly111Asp)

Gene: RAD51B (RAD51 paralog B; plus strand). Cytogenetic location: 14q24.1.
Variant type: single nucleotide variant.
Coding change: c.332G>A on transcript NM_133510.4 (MANE Select); coding-DNA position 332, G replaced by A.
Protein change: p.Gly111Asp; replaces glycine 111 with aspartic acid.
Molecular consequence: missense variant. On other transcripts: 5 prime UTR variant (1).
Genome position (GRCh38, 1-based): chr14:67,865,019, G>A. VCF-style: chr14-67865019-G-A. GRCh37 (hg19) VCF-style: chr14-68331736-G-A.
Other names: c.332G>A, p.Gly111Asp (NM_001321809.2, NM_001321810.2, NM_001321812.1 and 6 more transcripts); c.218G>A, p.Gly73Asp (NM_001321815.1); c.-26G>A (NM_001321817.2); short protein forms G111D, G73D.
Identifiers: ClinVar variation 3429654 (VCV003429654.1).
Genomic context (GRCh38, chr14:67,865,019, plus strand): 5'-AACTTTTTTTTTTTTTTTTTTTTTTTTTTTTTTTTTTTTTTTAGATTACAGGTCCACCAG[G>A]TTGTGGAAAAACTCAGTTTTGTATAATGATGAGCATTTTGGCTACATTACCCACCAACAT-3'
Protein context (NP_598194.1, residues 101-121): GSLTEITGPP[Gly111Asp]CGKTQFCIMM

ClinVar aggregate classification (germline): Uncertain significance (1 of 4 stars; one submission).

gnomAD v4.1: 7 of 633,976 alleles (0.0011%); highest among the groups gnomAD compares: African/African-American, 0.012%; no homozygotes.

Submission:

Ambry Genetics
Classification: Uncertain significance. Last evaluated: 2024-11-26. Review status: criteria provided, single submitter. Criteria: Ambry Variant Classification Scheme 2023. Collection method: clinical testing. Allele origin: germline.
Comment: The p.G111D variant (also known as c.332G>A), located in coding exon 4 of the RAD51B gene, results from a G to A substitution at nucleotide position 332. The glycine at codon 111 is replaced by aspartic acid, an amino acid with similar properties. This amino acid position is conserved. In addition, this alteration is predicted to be deleterious by in silico analysis. Based on the available evidence, the clinical significance of this variant remains unclear.